The following is an entry in ClinVar:

NM_020366.4(RPGRIP1):c.3618-1_3621del

Gene: RPGRIP1 (RPGR interacting protein 1; plus strand). Cytogenetic location: 14q11.2.
Variant type: Deletion.
Coding change: c.3618-1_3621del on transcript NM_020366.4 (MANE Select); the canonical splice acceptor site of the intron before coding-DNA position 3618 through coding-DNA position 3621, 5 bases deleted (GTTTA; older notation c.3618-1_3621delGTTTA).
Molecular consequence: splice acceptor variant.
Genome position (GRCh38, 1-based): chr14:21,348,171-21,348,175, GTTTA deleted; deleting any 5 consecutive bases within chr14:21,348,167-21,348,175 gives the same sequence; the c. name uses the placement nearest the transcript's 3' end. VCF-style (leftmost placement, unchanged base first): chr14-21348166-TTTTAG-T. GRCh37 (hg19) VCF-style: chr14-21816325-TTTTAG-T.
Other names: c.2544-1_2547del (NM_001377948.1); c.1704-1_1707del (NM_001377949.1); c.1596-1_1599del (NM_001377523.1, NM_001377950.1); c.1101-1_1104del (NM_001377951.1).
Identifiers: ClinVar variation 814005 (VCV000814005.12), dbSNP rs1594280740, ClinGen allele CA658820620.

ClinVar aggregate classification (germline): Pathogenic/Likely pathogenic. Review status: criteria provided, multiple submitters, no conflicts (2 of 4 stars). 6 submissions from 5 submitters: Pathogenic (5); Likely pathogenic (1). Last evaluated 2022-05-22.

Conditions:
Cone-rod dystrophy 13 (CORD13). Identifiers: Orphanet 1872, MedGen C2750720, MONDO:0011987, OMIM 608194.
Leber congenital amaurosis 6 (LCA6). Identifiers: Orphanet 65, MedGen C1854260, MONDO:0013446, OMIM 613826.
RPGRIP1-related disorder. Also called: RPGRIP1-related condition.

Submissions (6):

3billion
Classification: Pathogenic for Cone-rod dystrophy 13. Last evaluated: 2022-05-22. Review status: criteria provided, single submitter. Criteria: ACMG Guidelines, 2015. Collection method: clinical testing. Allele origin: germline. Affected: yes. Observed: 1 heterozygote.
Comment: The variant is not observed in the gnomAD v2.1.1 dataset. Canonical splice site: predicted to alter splicing and result in a loss or disruption of normal protein function. Multiple pathogenic loss-of-function variants are reported downstream of the variant. The variant has been reported at least twice as pathogenic with clinical assertions and evidence for the classification (ClinVar ID: VCV000814005). Therefore, this variant is classified as pathogenic according to the recommendation of ACMG/AMP guideline.

Genome-Nilou Lab
Classification: Pathogenic for Leber congenital amaurosis 6. Last evaluated: 2021-11-07. Review status: criteria provided, single submitter. Criteria: ACMG Guidelines, 2015. Collection method: clinical testing. Allele origin: germline. Affected: no.

Genome-Nilou Lab
Classification: Pathogenic for Cone-rod dystrophy 13. Last evaluated: 2021-11-07. Review status: criteria provided, single submitter. Criteria: ACMG Guidelines, 2015. Collection method: clinical testing. Allele origin: germline. Affected: no.

Labcorp Genetics (formerly Invitae), Labcorp
Classification: Pathogenic for Leber congenital amaurosis 6; Cone-rod dystrophy 13. Last evaluated: 2021-05-24. Review status: criteria provided, single submitter. Criteria: Invitae Variant Classification Sherloc (09022015). Collection method: clinical testing. Allele origin: germline.
Comment: This variant has been observed in individual(s) with early onset retinal dystrophy (PMID: 26047050, 30072743). This variant is also known as c.3618–1_3621del5. ClinVar contains an entry for this variant (Variation ID: 814005). This variant is not present in population databases (ExAC no frequency). This sequence change affects an acceptor splice site in intron 22 of the RPGRIP1 gene. It is expected to disrupt RNA splicing. Variants that disrupt the donor or acceptor splice site typically lead to a loss of protein function (PMID: 16199547), and loss-of-function variants in RPGRIP1 are known to be pathogenic (PMID: 11528500, 23105016). For these reasons, this variant has been classified as Pathogenic. Algorithms developed to predict the effect of sequence changes on RNA splicing suggest that this variant may disrupt the consensus splice site, but this prediction has not been confirmed by published transcriptional studies.

Blueprint Genetics
Classification: Likely pathogenic for RPGRIP1-related disorders. Last evaluated: 2019-05-29. Review status: criteria provided, single submitter. Criteria: ACMG Guidelines, 2015. Collection method: clinical testing. Allele origin: germline. Affected: yes. Observed: 1 variant allele.

Broad Center for Mendelian Genomics, Broad Institute of MIT and Harvard
Classification: Pathogenic for Leber congenital amaurosis 6. Last evaluated: 2018-12-03. Review status: criteria provided, single submitter. Criteria: ACMG Guidelines, 2015. Collection method: research. Allele origin: de novo. Inheritance: Autosomal recessive inheritance. Affected: yes.
Comment: Trio exome analysis showed this variant to be de novo. The c.3618-1_3621delGTTTA variant in RPGRIP1 has not been previously reported in individuals with Leber congenital amaurosis and was absent from large population studies. This variant affects the invariant region (+/- 1/2) of the splice consensus sequence by activating a cryptic splice site and is predicted to cause altered splicing leading to a frameshift and an abnormal or absent protein. Loss of function of the RPGRIP1 gene is an established disease mechanism in autosomal recessive Leber Congenital Amaurosis. The presence of this variant in combination with a reported pathogenic variant and in an individual with Leber congenital amaurosis increases the likelihood that the c.3618-1_3621delGTTTA variant is pathogenic. In summary, this variant meets criteria to be classified as pathogenic for Leber congenital amaurosis in an autosomal recessive manner based on the predicted impact of the variant and de novo inheritance. ACMG/AMP Criteria applied: PM2, PVS1, PS2, PM3 (Richards 2015).

Literature cited by the submitters: PubMed 26047050 (cited by Labcorp Genetics (formerly Invitae), Labcorp); PubMed 30072743 (cited by Labcorp Genetics (formerly Invitae), Labcorp and Broad Center for Mendelian Genomics, Broad Institute of MIT and Harvard); PubMed 16199547 (cited by Labcorp Genetics (formerly Invitae), Labcorp); PubMed 11528500 (cited by Labcorp Genetics (formerly Invitae), Labcorp); PubMed 23105016 (cited by Labcorp Genetics (formerly Invitae), Labcorp).